The following is an entry in ClinVar:

ClinVar aggregate classification (germline): Likely pathogenic (1 of 4 stars; one submission).

Conditions:
Hypertrophic cardiomyopathy 26. Also called: Cardiomyopathy, familial hypertrophic, 26. Identifiers: Orphanet 75249, MedGen C4310749, MONDO:0014883, OMIM 617047.

Submission:

3billion
Classification: Likely pathogenic for Hypertrophic cardiomyopathy 26. Last evaluated: 2025-09-03. Review status: criteria provided, single submitter. Criteria: ACMG Guidelines, 2015. Collection method: clinical testing. Allele origin: germline. Affected: yes.
Comment: The variant is not observed in the gnomAD v4.1.0 dataset. Predicted Consequence/Location: Stop-gained (nonsense): predicted to result in a loss or disruption of normal protein function through nonsense-mediated decay (NMD) or protein truncation. Multiple pathogenic variants are reported downstream of the variant. Therefore, this variant is classified as Likely pathogenic according to the recommendation of ACMG/AMP guideline.

NM_001458.5(FLNC):c.5142C>G (p.Tyr1714Ter)

Gene: FLNC (filamin C; plus strand). Cytogenetic location: 7q32.1.
Variant type: single nucleotide variant.
Coding change: c.5142C>G on transcript NM_001458.5 (MANE Select); coding-DNA position 5142, C replaced by G.
Protein change: p.Tyr1714Ter; replaces tyrosine 1714 with a stop codon.
Molecular consequence: nonsense.
Genome position (GRCh38, 1-based): chr7:128,849,521, C>G. VCF-style: chr7-128849521-C-G. GRCh37 (hg19) VCF-style: chr7-128489575-C-G.
Other names: c.5142C>G, p.Tyr1714Ter (NM_001127487.2); short protein forms Y1714*.
Identifiers: ClinVar variation 4854636 (VCV004854636.1).